The following is an entry in ClinVar:

NM_001134407.3(GRIN2A):c.2024A>C (p.Asp675Ala)

Gene: GRIN2A (glutamate ionotropic receptor NMDA type subunit 2A; minus strand). Cytogenetic location: 16p13.2.
Variant type: single nucleotide variant.
Coding change: c.2024A>C on transcript NM_001134407.3 (MANE Select); coding-DNA position 2024, A replaced by C.
Protein change: p.Asp675Ala; replaces aspartic acid 675 with alanine.
Molecular consequence: missense variant.
Genome position (GRCh38, 1-based): chr16:9,822,408, T>G on the plus strand (A>C on the coding strand, the complement: GRIN2A is on the minus strand). VCF-style: chr16-9822408-T-G. GRCh37 (hg19) VCF-style: chr16-9916265-T-G.
Other names: c.2024A>C, p.Asp675Ala (NM_000833.5, NM_001134408.2); short protein forms D675A.
Identifiers: ClinVar variation 852926 (VCV000852926.14), dbSNP rs75130648, ClinGen allele CA7896593.

ClinVar aggregate classification (germline): Conflicting classifications of pathogenicity. Review status: criteria provided, conflicting classifications (1 of 4 stars). 3 submissions from 3 submitters: Uncertain significance (2); Likely benign (1). Last evaluated 2024-11-11.

Conditions:
Inborn genetic diseases. Identifiers: MedGen C0950123, MeSH D030342.
Landau-Kleffner syndrome (FESD). Also called: APHASIA, ACQUIRED, WITH EPILEPSY; EPILEPSY, FOCAL, WITH SPEECH DISORDER AND WITH OR WITHOUT MENTAL RETARDATION. Identifiers: Orphanet 1945, Orphanet 725, Orphanet 98818, MedGen C0282512, MONDO:0009509, OMIM 245570.

Allele frequency attached by ClinVar (database versions not stated): gnomAD 0.00002 and 0.00003; TOPMed 0.00002; ExAC 0.00001; gnomAD exomes 0.00001.
gnomAD v4.1: 10 of 1,609,894 alleles (0.00062%); highest among the groups gnomAD compares: Non-Finnish European, 0.00077%; no homozygotes.

Submissions (3):

Labcorp Genetics (formerly Invitae), Labcorp
Classification: Likely benign for Landau-Kleffner syndrome. Last evaluated: 2024-11-11. Review status: criteria provided, single submitter. Criteria: Invitae Variant Classification Sherloc (09022015). Collection method: clinical testing. Allele origin: germline.

GeneDx
Classification: Uncertain significance. Last evaluated: 2022-03-09. Review status: criteria provided, single submitter. Criteria: GeneDx Variant Classification Process June 2021. Collection method: clinical testing. Allele origin: germline. Affected: yes.
Comment: Not observed at significant frequency in large population cohorts (gnomAD); In silico analysis supports that this missense variant has a deleterious effect on protein structure/function; Has not been previously published as pathogenic or benign to our knowledge; This variant is associated with the following publications: (PMID: 27839871)

Ambry Genetics
Classification: Uncertain significance for Inborn genetic diseases. Last evaluated: 2018-05-25. Review status: criteria provided, single submitter. Criteria: Ambry Variant Classification Scheme 2023. Collection method: clinical testing. Allele origin: germline.
Comment: The p.D675A variant (also known as c.2024A>C), located in coding exon 9 of the GRIN2A gene, results from an A to C substitution at nucleotide position 2024. The aspartic acid at codon 675 is replaced by alanine, an amino acid with dissimilar properties. This amino acid position is well conserved in available vertebrate species. In addition, this alteration is predicted to be tolerated by in silico analysis. Since supporting evidence is limited at this time, the clinical significance of this alteration remains unclear.